The following is an entry in ClinVar:

NM_206933.4(USH2A):c.15576_15579del (p.Lys5192fs)

Gene: USH2A (usherin; minus strand). Cytogenetic location: 1q41.
Variant type: Deletion.
Coding change: c.15576_15579del on transcript NM_206933.4 (MANE Select); coding-DNA positions 15576 to 15579, 4 bases deleted (GGAA; older notation c.15576_15579delGGAA).
Protein change: p.Lys5192fs; shifts the reading frame from lysine 5192.
Molecular consequence: frameshift variant.
Genome position (GRCh38, 1-based): chr1:215,625,811-215,625,814, TTCC deleted on the plus strand (GGAA on the coding strand, the reverse complement: USH2A is on the minus strand); deleting any 4 consecutive bases within chr1:215,625,811-215,625,816 gives the same sequence; the c. name uses the placement nearest the transcript's 3' end. VCF-style (leftmost placement, unchanged base first): chr1-215625810-GTTCC-G. GRCh37 (hg19) VCF-style: chr1-215799152-GTTCC-G.
Other names: short protein forms K5192fs.
Identifiers: ClinVar variation 2419696 (VCV002419696.3), dbSNP rs2464738837, ClinGen allele CA2580062033.

ClinVar aggregate classification (germline): Uncertain significance (1 of 4 stars; one submission).

Submission:

Labcorp Genetics (formerly Invitae), Labcorp
Classification: Uncertain significance. Last evaluated: 2022-06-19. Review status: criteria provided, single submitter. Criteria: Invitae Variant Classification Sherloc (09022015). Collection method: clinical testing. Allele origin: germline.
Comment: This sequence change results in a frameshift in the USH2A gene (p.Lys5192Asnfs*40). While this is not anticipated to result in nonsense mediated decay, it is expected to disrupt the last 11 amino acid(s) of the USH2A protein and extend the protein by 28 additional amino acid residues. This variant is not present in population databases (gnomAD no frequency). This variant has not been reported in the literature in individuals affected with USH2A-related conditions. In summary, the available evidence is currently insufficient to determine the role of this variant in disease. Therefore, it has been classified as a Variant of Uncertain Significance.